The following is an entry in ClinVar:

ClinVar aggregate classification (germline): Likely benign. Review status: criteria provided, multiple submitters, no conflicts (2 of 4 stars). 4 submissions from 4 submitters: Likely benign (3). 1 of the submissions does not count toward it. Last evaluated 2025-12-31.

Conditions:
Primary dilated cardiomyopathy (DCM). Also called: Dilated Cardiomyopathy. Identifiers: Orphanet 217604, MedGen C0007193, MeSH D002311, MONDO:0005021, HP:0001644. Inheritance: Various modes of inheritance.
TXNRD2-related disorder. Also called: TXNRD2-related condition.
Cardiovascular phenotype. Identifiers: MedGen CN230736.

Allele frequency attached by ClinVar (database versions not stated): gnomAD exomes 0.00009 and 0.00023; ExAC 0.00033; 1000 Genomes Project 30x 0.00062; 1000 Genomes Project 0.00080; gnomAD 0.00102; TOPMed 0.00122; ESP Exome Variant Server 0.00142.
gnomAD v4.1: 279 of 1,609,992 alleles (0.017%); highest among the groups gnomAD compares: African/African-American, 0.32%; no homozygotes.

Submissions (4):

Labcorp Genetics (formerly Invitae), Labcorp
Classification: Likely benign for Primary dilated cardiomyopathy. Last evaluated: 2025-12-31. Review status: criteria provided, single submitter. Criteria: Invitae Variant Classification Sherloc (09022015). Collection method: clinical testing. Allele origin: germline.

GeneDx
Classification: Likely benign. Last evaluated: 2020-12-07. Review status: criteria provided, single submitter. Criteria: GeneDx Variant Classification Process June 2021. Collection method: clinical testing. Allele origin: germline. Affected: yes.

Ambry Genetics
Classification: Likely benign for Cardiovascular phenotype. Last evaluated: 2019-03-28. Review status: criteria provided, single submitter. Criteria: Ambry Variant Classification Scheme 2023. Collection method: clinical testing. Allele origin: germline.

PreventionGenetics, part of Exact Sciences
Classification: Likely benign for TXNRD2-related condition. Last evaluated: 2022-07-27. Review status: no assertion criteria provided. Collection method: clinical testing. Allele origin: germline. Not counted in ClinVar's aggregate classification.
Comment: This variant is classified as likely benign based on ACMG/AMP sequence variant interpretation guidelines (Richards et al. 2015 PMID: 25741868, with internal and published modifications).

NM_006440.5(TXNRD2):c.1523G>A (p.Arg508His)

Gene: TXNRD2 (thioredoxin reductase 2; minus strand). Cytogenetic location: 22q11.21.
Variant type: single nucleotide variant.
Coding change: c.1523G>A on transcript NM_006440.5 (MANE Select); coding-DNA position 1523, G replaced by A.
Protein change: p.Arg508His; replaces arginine 508 with histidine.
Molecular consequence: missense variant. On other transcripts: non-coding transcript variant (1).
Genome position (GRCh38, 1-based): chr22:19,877,157, C>T on the plus strand (G>A on the coding strand, the complement: TXNRD2 is on the minus strand). VCF-style: chr22-19877157-C-T. GRCh37 (hg19) VCF-style: chr22-19864680-C-T.
Other names: c.1520G>A, p.Arg507His (NM_001352300.2); c.1433G>A, p.Arg478His (NM_001352301.2); c.1235G>A, p.Arg412His (NM_001352302.2); short protein forms R508H, R412H, R507H, R478H.
Identifiers: ClinVar variation 263535 (VCV000263535.19), dbSNP rs201391000, ClinGen allele CA10103602.